The following is an entry in ClinVar:

NM_000271.5(NPC1):c.695A>G (p.Asp232Gly)

Gene: NPC1 (NPC intracellular cholesterol transporter 1; minus strand). Cytogenetic location: 18q11.2.
Variant type: single nucleotide variant.
Coding change: c.695A>G on transcript NM_000271.5 (MANE Select); coding-DNA position 695, A replaced by G.
Protein change: p.Asp232Gly; replaces aspartic acid 232 with glycine.
Molecular consequence: missense variant.
Genome position (GRCh38, 1-based): chr18:23,560,417, T>C on the plus strand (A>G on the coding strand, the complement: NPC1 is on the minus strand). VCF-style: chr18-23560417-T-C. GRCh37 (hg19) VCF-style: chr18-21140381-T-C.
Other names: c.695A>G (NM_000271.4); short protein forms D232G.
Identifiers: ClinVar variation 1148181 (VCV001148181.15), dbSNP rs201956601, ClinGen allele CA8913663.
Genomic context (GRCh38, chr18:23,560,417, plus strand): 5'-TGGGGCTTGGGGCCACAGACAATAGAGCAGTCTTGGCAGCTACATGGTGCTGTGACCTCA[T>C]CCACAGACTCGTCACAGCCTTTGGTGGCATTGTTCATGGGCTCCATCCCATGGACTGGAA-3'
Protein context (NP_000262.2, residues 222-242): NATKGCDESV[Asp232Gly]EVTAPCSCQD

ClinVar aggregate classification (germline): Conflicting classifications of pathogenicity. Review status: criteria provided, conflicting classifications (1 of 4 stars). 3 submissions from 3 submitters: Uncertain significance (2); Likely benign (1). Last evaluated 2026-01-17.

Conditions:
Niemann-Pick disease, type C1. Also called: NIEMANN-PICK DISEASE, VARIANT TYPE C1; NEUROVISCERAL STORAGE DISEASE WITH VERTICAL SUPRANUCLEAR OPHTHALMOPLEGIA; NIEMANN-PICK DISEASE WITH CHOLESTEROL ESTERIFICATION BLOCK; NIEMANN-PICK DISEASE WITHOUT SPHINGOMYELINASE DEFICIENCY; NIEMANN-PICK DISEASE, CHRONIC NEURONOPATHIC FORM. Identifiers: Orphanet 646, MedGen C3179455, MONDO:0009757, OMIM 257220.

Allele frequency attached by ClinVar (database versions not stated): gnomAD exomes 0.00003 and 0.00005; gnomAD 0.00004; TOPMed 0.00004; ExAC 0.00007; 1000 Genomes Project 30x 0.00016; 1000 Genomes Project 0.00020.
gnomAD v4.1: 23 of 1,614,166 alleles (0.0014%); highest among the groups gnomAD compares: Admixed American, 0.03%; no homozygotes.

Submissions (3):

Labcorp Genetics (formerly Invitae), Labcorp
Classification: Likely benign for Niemann-Pick disease, type C1. Last evaluated: 2026-01-17. Review status: criteria provided, single submitter. Criteria: Invitae Variant Classification Sherloc (09022015). Collection method: clinical testing. Allele origin: germline.

GeneDx
Classification: Uncertain significance. Last evaluated: 2025-08-14. Review status: criteria provided, single submitter. Criteria: GeneDx Variant Classification Process June 2021. Collection method: clinical testing. Allele origin: germline. Affected: yes.
Comment: In silico analysis supports that this missense variant does not alter protein structure/function; Reported as a variant identified in exome data sets, however clinical information was not provided on the individual(s) with the variant (PMID: 25764212); This variant is associated with the following publications: (PMID: 25764212)

Revvity Omics, Revvity
Classification: Uncertain significance for Niemann-Pick disease, type C1. Last evaluated: 2021-09-28. Review status: criteria provided, single submitter. Criteria: ACMG Guidelines, 2015. Collection method: clinical testing. Allele origin: germline.